The following is an entry in ClinVar:

ClinVar aggregate classification (germline): Uncertain significance (1 of 4 stars; one submission).

Submission:

GeneDx
Classification: Uncertain significance. Last evaluated: 2023-06-01. Review status: criteria provided, single submitter. Criteria: GeneDx Variant Classification Process June 2021. Collection method: clinical testing. Allele origin: germline. Affected: yes.
Comment: Not observed at significant frequency in large population cohorts (gnomAD); In silico analysis supports that this missense variant has a deleterious effect on protein structure/function; Has not been previously published as pathogenic or benign to our knowledge

NM_005121.3(MED13):c.3926C>T (p.Thr1309Ile)

Gene: MED13 (mediator complex subunit 13; minus strand). Cytogenetic location: 17q23.2.
Variant type: single nucleotide variant.
Coding change: c.3926C>T on transcript NM_005121.3 (MANE Select); coding-DNA position 3926, C replaced by T.
Protein change: p.Thr1309Ile; replaces threonine 1309 with isoleucine.
Molecular consequence: missense variant.
Genome position (GRCh38, 1-based): chr17:61,972,768, G>A on the plus strand (C>T on the coding strand, the complement: MED13 is on the minus strand). VCF-style: chr17-61972768-G-A. GRCh37 (hg19) VCF-style: chr17-60050129-G-A.
Other names: short protein forms T1309I.
Identifiers: ClinVar variation 3359375 (VCV003359375.1).